The following is an entry in ClinVar:

ClinVar aggregate classification (germline): Uncertain significance (1 of 4 stars; one submission).

Submission:

Ambry Genetics
Classification: Uncertain significance. Last evaluated: 2023-05-10. Review status: criteria provided, single submitter. Criteria: Ambry Variant Classification Scheme 2023. Collection method: clinical testing. Allele origin: germline.
Comment: The p.R807* variant (also known as c.2419C>T), located in coding exon 23 of the KIF1B gene, results from a C to T substitution at nucleotide position 2419. This changes the amino acid from an arginine to a stop codon within coding exon 23. This alteration is expected to result in loss of function by premature protein truncation or nonsense-mediated mRNA decay. The evidence for this gene-disease relationship is limited; therefore, the clinical significance of this alteration is unclear.

NM_001365951.3(KIF1B):c.2557C>T (p.Arg853Ter)

Gene: KIF1B (kinesin family member 1B; plus strand). Cytogenetic location: 1p36.22.
Variant type: single nucleotide variant.
Coding change: c.2557C>T on transcript NM_001365951.3 (MANE Select); coding-DNA position 2557, C replaced by T.
Protein change: p.Arg853Ter; replaces arginine 853 with a stop codon.
Molecular consequence: nonsense.
Genome position (GRCh38, 1-based): chr1:10,324,777, C>T. VCF-style: chr1-10324777-C-T. GRCh37 (hg19) VCF-style: chr1-10384835-C-T.
Other names: c.2557C>T, p.Arg853Ter (NM_001365952.1); c.2419C>T, p.Arg807Ter (NM_015074.3); short protein forms R807*, R853*.
Identifiers: ClinVar variation 2560516 (VCV002560516.2), dbSNP rs774056851, ClinGen allele CA338335447.